The following is an entry in ClinVar:

ClinVar aggregate classification (germline): Likely benign (1 of 4 stars; one submission).

Conditions:
SLC22A4-related disorder. Also called: SLC22A4-related condition.

gnomAD v4.1: 48 of 1,612,866 alleles (0.003%); highest among the groups gnomAD compares: Middle Eastern, 0.036%; 1 homozygote.

Submission:

PreventionGenetics, part of Exact Sciences
Classification: Likely benign for SLC22A4-related condition. Last evaluated: 2025-04-19. Review status: criteria provided, single submitter. Criteria: ACMG Guidelines, 2015. Collection method: clinical testing. Allele origin: germline.
Comment: This variant is classified as likely benign based on ACMG/AMP sequence variant interpretation guidelines (Richards et al. 2015 PMID: 25741868, with internal and published modifications).

NM_003059.3(SLC22A4):c.824+7G>A

Genes: MIR3936HG (MIR3936 host gene; minus strand), SLC22A4 (solute carrier family 22 member 4; plus strand). Cytogenetic location: 5q31.1.
Variant type: single nucleotide variant.
Coding change: c.824+7G>A on transcript NM_003059.3 (MANE Select); 7 bases into the intron after coding-DNA position 824, G replaced by A.
Molecular consequence: intron variant.
Genome position (GRCh38, 1-based): chr5:132,322,362, G>A. VCF-style: chr5-132322362-G-A. GRCh37 (hg19) VCF-style: chr5-131658055-G-A.
Identifiers: ClinVar variation 4980719 (VCV004980719.1).